The following is an entry in ClinVar:

NM_007294.4(BRCA1):c.173C>G (p.Pro58Arg)

Gene: BRCA1 (BRCA1 DNA repair associated; minus strand). Cytogenetic location: 17q21.31.
Variant type: single nucleotide variant.
Coding change: c.173C>G on transcript NM_007294.4 (MANE Select); coding-DNA position 173, C replaced by G.
Protein change: p.Pro58Arg; replaces proline 58 with arginine.
Molecular consequence: missense variant. On other transcripts: non-coding transcript variant (1).
Genome position (GRCh38, 1-based): chr17:43,106,495, G>C on the plus strand (C>G on the coding strand, the complement: BRCA1 is on the minus strand). VCF-style: chr17-43106495-G-C. GRCh37 (hg19) VCF-style: chr17-41258512-G-C.
Other names: c.-16C>G (NM_001407571.1, NM_001407853.1, NM_001407879.1 and 58 more transcripts); c.173C>G, p.Pro58Arg (NM_001407581.1, NM_001407582.1, NM_001407583.1 and 168 more transcripts); c.32C>G, p.Pro11Arg (NM_001407692.1, NM_001407694.1, NM_001407695.1 and 99 more transcripts); short protein forms P58R, P11R.
Identifiers: ClinVar variation 868243 (VCV000868243.3), dbSNP rs2054783819, ClinGen allele CA10601812.

Conditions:
Breast-ovarian cancer, familial, susceptibility to, 1 (BROVCA1). Also called: BRCA1 Hereditary Breast and Ovarian Cancer; OVARIAN CANCER, SUSCEPTIBILITY TO. Identifiers: Orphanet 145, MedGen C2676676, MONDO:0011450, OMIM 604370. Disease mechanism: loss of function.

Submission:

Brotman Baty Institute, University of Washington
No classification provided (evidence only). Condition: Breast-ovarian cancer, familial 1. Review status: no classification provided. Collection method: in vitro. Allele origin: not applicable. Functional consequence: functionally_normal.
ClinVar note: "not provided" was previously submitted as the classification for the variant. However, the classification appeared to be based only on an observation of functional data so it was converted to no classification on 2025-07-30.